The following is an entry in ClinVar:

ClinVar aggregate classification (germline): Uncertain significance. Review status: criteria provided, multiple submitters, no conflicts (2 of 4 stars). 5 submissions from 5 submitters: Uncertain significance (5). Last evaluated 2025-07-17.

Conditions:
COG5-congenital disorder of glycosylation. Also called: CONGENITAL DISORDER OF GLYCOSYLATION, TYPE IIi; COG5-CDG; CDG IIi. Identifiers: Orphanet 263487, MedGen C3150876, MONDO:0013325, OMIM 613612.

Allele frequency attached by ClinVar (database versions not stated): ExAC 0.00016; gnomAD exomes 0.00018; gnomAD 0.00020 and 0.00021; TOPMed 0.00022; ESP Exome Variant Server 0.00023.
gnomAD v4.1: 231 of 1,613,694 alleles (0.014%); highest among the groups gnomAD compares: Non-Finnish European, 0.018%; 1 homozygote.

Submissions (5):

GeneDx
Classification: Uncertain significance. Last evaluated: 2025-07-17. Review status: criteria provided, single submitter. Criteria: GeneDx Variant Classification Process June 2021. Collection method: clinical testing. Allele origin: germline. Affected: yes.
Comment: Has not been previously published as pathogenic or benign to our knowledge; In silico analysis suggests that this missense variant does not alter protein structure/function

Blueprint Genetics
Classification: Uncertain significance. Last evaluated: 2024-11-11. Review status: criteria provided, single submitter. Criteria: ACMG Guidelines, 2015. Collection method: clinical testing. Allele origin: germline.

Labcorp Genetics (formerly Invitae), Labcorp
Classification: Uncertain significance for COG5-congenital disorder of glycosylation. Last evaluated: 2024-11-11. Review status: criteria provided, single submitter. Criteria: Invitae Variant Classification Sherloc (09022015). Collection method: clinical testing. Allele origin: germline.
Comment: This sequence change replaces alanine, which is neutral and non-polar, with proline, which is neutral and non-polar, at codon 54 of the COG5 protein (p.Ala54Pro). This variant is present in population databases (rs146391348, gnomAD 0.03%). This variant has not been reported in the literature in individuals affected with COG5-related conditions. ClinVar contains an entry for this variant (Variation ID: 358478). An algorithm developed to predict the effect of missense changes on protein structure and function (PolyPhen-2) suggests that this variant¬†is likely to be tolerated. In summary, the available evidence is currently insufficient to determine the role of this variant in disease. Therefore, it has been classified as a Variant of Uncertain Significance.

Illumina Laboratory Services, Illumina
Classification: Uncertain significance for COG5-congenital disorder of glycosylation. Last evaluated: 2018-01-13. Review status: criteria provided, single submitter. Criteria: ICSL Variant Classification Criteria 13 December 2019. Collection method: clinical testing. Allele origin: germline.

Breakthrough Genomics
Classification: Uncertain significance. Review status: criteria provided, single submitter. Criteria: ACMG Guidelines, 2015. Collection method: not provided. Allele origin: germline. Inheritance: Autosomal recessive inheritance. Affected: yes.

NM_006348.5(COG5):c.67G>C (p.Ala23Pro)

Gene: COG5 (component of oligomeric golgi complex 5; minus strand). Cytogenetic location: 7q22.3.
Variant type: single nucleotide variant.
Coding change: c.67G>C on transcript NM_006348.5 (MANE Select); coding-DNA position 67, G replaced by C.
Protein change: p.Ala23Pro; replaces alanine 23 with proline.
Molecular consequence: missense variant.
Genome position (GRCh38, 1-based): chr7:107,563,830, C>G on the plus strand (G>C on the coding strand, the complement: COG5 is on the minus strand). VCF-style: chr7-107563830-C-G. GRCh37 (hg19) VCF-style: chr7-107204275-C-G.
Other names: c.67G>C, p.Ala23Pro (NM_001161520.2, NM_001379511.1, NM_001379512.1 and 5 more transcripts); short protein forms A54P, A23P.
Identifiers: ClinVar variation 358478 (VCV000358478.11), dbSNP rs146391348, ClinGen allele CA4431566.
Genomic context (GRCh38, chr7:107,563,830, plus strand): 5'-ACCCCACGACCTGGTCAGACCCCGTCTCCTTACCGTCCTGCAGAAGTTCCCGGACTGTAG[C>G]TGCAGCCGCTCCAGAGCCTCGAGCTCCGAGGCCAGCTACAGCGACGCTGCCGCCGCCACC-3'
Protein context (NP_006339.4, residues 13-33): LGARGSGAAA[Ala23Pro]TVRELLQDGC